The following is an entry in ClinVar:

ClinVar aggregate classification (germline): Uncertain significance (1 of 4 stars; one submission).

Conditions:
ANKRD1-related dilated cardiomyopathy. Identifiers: MedGen CN119551.

Allele frequency attached by ClinVar (database versions not stated): gnomAD exomes below 0.00001.
gnomAD v4.1: 3 of 1,613,796 alleles (0.00019%); highest among the groups gnomAD compares: Non-Finnish European, 0.00025%; no homozygotes.

Submission:

Labcorp Genetics (formerly Invitae), Labcorp
Classification: Uncertain significance for ANKRD1-related dilated cardiomyopathy. Last evaluated: 2022-02-24. Review status: criteria provided, single submitter. Criteria: Invitae Variant Classification Sherloc (09022015). Collection method: clinical testing. Allele origin: germline.
Comment: This variant is not present in population databases (gnomAD no frequency). This sequence change replaces glutamic acid, which is acidic and polar, with lysine, which is basic and polar, at codon 242 of the ANKRD1 protein (p.Glu242Lys). This variant has not been reported in the literature in individuals affected with ANKRD1-related conditions. In summary, the available evidence is currently insufficient to determine the role of this variant in disease. Therefore, it has been classified as a Variant of Uncertain Significance. Algorithms developed to predict the effect of missense changes on protein structure and function are either unavailable or do not agree on the potential impact of this missense change (SIFT: "Tolerated"; PolyPhen-2: "Possibly Damaging"; Align-GVGD: "Class C0").

NM_014391.3(ANKRD1):c.724G>A (p.Glu242Lys)

Gene: ANKRD1 (ankyrin repeat domain 1; minus strand). Cytogenetic location: 10q23.31.
Variant type: single nucleotide variant.
Coding change: c.724G>A on transcript NM_014391.3 (MANE Select); coding-DNA position 724, G replaced by A.
Protein change: p.Glu242Lys; replaces glutamic acid 242 with lysine.
Molecular consequence: missense variant.
Genome position (GRCh38, 1-based): chr10:90,915,808, C>T on the plus strand (G>A on the coding strand, the complement: ANKRD1 is on the minus strand). VCF-style: chr10-90915808-C-T. GRCh37 (hg19) VCF-style: chr10-92675565-C-T.
Other names: short protein forms E242K.
Identifiers: ClinVar variation 2103135 (VCV002103135.4), dbSNP rs2492955708, ClinGen allele CA377550150.
Genomic context (GRCh38, chr10:90,915,808, plus strand): 5'-GCTTTGGGAAACCCGAGCGTGTCCAGCTACTCACTCTGTCTTTGGCGTTGAGGTCTGCCT[C>T]ACAGGCGATAAGATGCTCCGCGCACTCATAGTGGCCAGTCCTCACCGCCACATGCAGCGC-3'
Protein context (NP_055206.2, residues 232-252): YECAEHLIAC[Glu242Lys]ADLNAKDREG